The following is an entry in ClinVar:

ClinVar aggregate classification (germline): Uncertain significance (1 of 4 stars; one submission).

Conditions:
Juvenile polyposis syndrome (JPS). Identifiers: Orphanet 2929, MedGen C0345893, MONDO:0017380, OMIM 174900.

Submission:

Labcorp Genetics (formerly Invitae), Labcorp
Classification: Uncertain significance for Juvenile polyposis syndrome. Last evaluated: 2025-08-25. Review status: criteria provided, single submitter. Criteria: Invitae Variant Classification Sherloc (09022015). Collection method: clinical testing. Allele origin: germline.
Comment: This sequence change replaces arginine, which is basic and polar, with threonine, which is neutral and polar, at codon 186 of the BMPR1A protein (p.Arg186Thr). This variant is not present in population databases (gnomAD no frequency). This variant has not been reported in the literature in individuals affected with BMPR1A-related conditions. Invitae Evidence Modeling of protein sequence and biophysical properties (such as structural, functional, and spatial information, amino acid conservation, physicochemical variation, residue mobility, and thermodynamic stability) indicates that this missense variant is not expected to disrupt BMPR1A protein function with a negative predictive value of 80%. In summary, the available evidence is currently insufficient to determine the role of this variant in disease. Therefore, it has been classified as a Variant of Uncertain Significance.

NM_004329.3(BMPR1A):c.557G>C (p.Arg186Thr)

Gene: BMPR1A (bone morphogenetic protein receptor type 1A; plus strand). Cytogenetic location: 10q23.2.
Variant type: single nucleotide variant.
Coding change: c.557G>C on transcript NM_004329.3 (MANE Select); coding-DNA position 557, G replaced by C.
Protein change: p.Arg186Thr; replaces arginine 186 with threonine.
Molecular consequence: missense variant. On other transcripts: non-coding transcript variant (3), intron variant (1).
Genome position (GRCh38, 1-based): chr10:86,912,266, G>C. VCF-style: chr10-86912266-G-C. GRCh37 (hg19) VCF-style: chr10-88672023-G-C.
Other names: c.473G>C, p.Arg158Thr (NM_001406587.1, NM_001406588.1, NM_001406584.1 and 2 more transcripts); c.334-4868G>C (NM_001406589.1); c.557G>C, p.Arg186Thr (NM_001406579.1, NM_001406580.1, NM_001406581.1 and 20 more transcripts); c.632G>C, p.Arg211Thr (NM_001406559.1); c.605G>C, p.Arg202Thr (NM_001406560.1); short protein forms R202T, R186T, R158T, R211T.
Identifiers: ClinVar variation 4696581 (VCV004696581.1).